The following is an entry in ClinVar:

ClinVar aggregate classification (germline): Uncertain significance (1 of 4 stars; one submission).

Conditions:
Neurofibromatosis, type 1 (NF1). Also called: VON RECKLINGHAUSEN DISEASE; NEUROFIBROMATOSIS, TYPE I, SOMATIC; Peripheral type neurofibromatosis; Neurofibromatosis, type I. Identifiers: Orphanet 636, MedGen C0027831, MONDO:0018975, OMIM 162200. Disease mechanism: loss of function.

Submission:

Labcorp Genetics (formerly Invitae), Labcorp
Classification: Uncertain significance for Neurofibromatosis, type 1. Last evaluated: 2019-10-30. Review status: criteria provided, single submitter. Criteria: Invitae Variant Classification Sherloc (09022015). Collection method: clinical testing. Allele origin: germline.
Comment: This variant is not present in population databases (ExAC no frequency). This variant, c.4189_4190insCAA, results in the insertion of 1 amino acid(s) to the NF1 protein (p.Ala1396_Ile1397insThr), but otherwise preserves the integrity of the reading frame. This variant has not been reported in the literature in individuals with NF1-related conditions. Experimental studies and prediction algorithms are not available or were not evaluated, and the functional significance of this variant is currently unknown. In summary, the available evidence is currently insufficient to determine the role of this variant in disease. Therefore, it has been classified as a Variant of Uncertain Significance.

NM_001042492.3(NF1):c.4252_4253insCAA (p.Ala1417_Ile1418insThr)

Gene: NF1 (neurofibromin 1; plus strand). Cytogenetic location: 17q11.2.
Variant type: Insertion.
Coding change: c.4252_4253insCAA on transcript NM_001042492.3 (MANE Select); coding-DNA positions 4252 to 4253, CAA inserted.
Protein change: p.Ala1417_Ile1418insThr.
Molecular consequence: inframe insertion. On other transcripts: inframe indel (1).
Genome position: GRCh38 VCF-style: chr17-31258421-C-CACA. GRCh37 (hg19) VCF-style: chr17-29585439-C-CACA.
Other names: c.4189_4190insCAA, p.Ala1396_Ile1397insThr (NM_000267.4).
Identifiers: ClinVar variation 955747 (VCV000955747.6), dbSNP rs1783538929, ClinGen allele CA1139665370.